The following is an entry in ClinVar:

ClinVar aggregate classification (germline): Uncertain significance (1 of 4 stars; one submission).

Conditions:
MITF-related disorder. Also called: MITF-related condition.

gnomAD v4.1: 106 of 1,613,810 alleles (0.0066%); highest among the groups gnomAD compares: South Asian, 0.086%; 1 homozygote.

Submission:

PreventionGenetics, part of Exact Sciences
Classification: Uncertain significance for MITF-related condition. Last evaluated: 2025-09-30. Review status: criteria provided, single submitter. Criteria: ACMG Guidelines, 2015. Collection method: clinical testing. Allele origin: germline.
Comment: The MITF c.31C>T variant is predicted to result in the amino acid substitution p.Pro11Ser. This variant was reported along with a second potentially causative MITF variant in a patient with hearing loss and heterochromia (Table S2, Abolhassani et al. 2024. PubMed ID: 38374194). This variant is reported in 0.092% of alleles in individuals of South Asian descent in gnomAD, including one homozygote. Although we suspect that this variant may be benign, at this time, the clinical significance of this variant is uncertain due to the absence of conclusive functional and genetic evidence.

NM_001354604.2(MITF):c.105-12813C>T

Gene: MITF (melanocyte inducing transcription factor; plus strand). Cytogenetic location: 3p13.
Variant type: single nucleotide variant.
Coding change: c.105-12813C>T on transcript NM_001354604.2 (MANE Select); 12813 bases into the intron before coding-DNA position 105, C replaced by T.
Molecular consequence: intron variant. On other transcripts: missense variant (1).
Genome position (GRCh38, 1-based): chr3:69,866,321, C>T. VCF-style: chr3-69866321-C-T. GRCh37 (hg19) VCF-style: chr3-69915472-C-T.
Other names: c.31C>T, p.Pro11Ser (NM_198177.3); c.54-12813C>T (NM_001354607.2); c.-52-12813C>T (NM_001354608.2, NM_001184967.2); c.105-12813C>T (NM_198159.3); c.105-12816C>T (NM_001354605.2, NM_001354606.2); c.102-12813C>T (NM_006722.3); short protein forms P11S.
Identifiers: ClinVar variation 4995888 (VCV004995888.1).